The following is an entry in ClinVar:

NM_000057.4(BLM):c.2908G>C (p.Val970Leu)

Gene: BLM (BLM RecQ like helicase; plus strand). Cytogenetic location: 15q26.1.
Variant type: single nucleotide variant.
Coding change: c.2908G>C on transcript NM_000057.4 (MANE Select); coding-DNA position 2908, G replaced by C.
Protein change: p.Val970Leu; replaces valine 970 with leucine.
Molecular consequence: missense variant.
Genome position (GRCh38, 1-based): chr15:90,790,733, G>C. VCF-style: chr15-90790733-G-C. GRCh37 (hg19) VCF-style: chr15-91333963-G-C.
Other names: c.2908G>C, p.Val970Leu (NM_001287246.2, NM_001287247.2); c.1783G>C, p.Val595Leu (NM_001287248.2); short protein forms V595L, V970L.
Identifiers: ClinVar variation 1797533 (VCV001797533.5), dbSNP rs1243051560, ClinGen allele CA393846392.

ClinVar aggregate classification (germline): Uncertain significance. Review status: criteria provided, multiple submitters, no conflicts (2 of 4 stars). 2 submissions from 2 submitters: Uncertain significance (2). Last evaluated 2024-10-06.

Conditions:
Hereditary cancer-predisposing syndrome. Also called: Neoplastic Syndromes, Hereditary; Tumor predisposition; Hereditary Cancer Syndrome; Hereditary neoplastic syndrome. Identifiers: Orphanet 140162, MedGen C0027672, MeSH D009386, MONDO:0015356.
Bloom syndrome (BLM). Also called: Bloom-Torre-Machacek syndrome. Identifiers: Orphanet 125, MedGen C0005859, MONDO:0008876, OMIM 210900.

Submissions (2):

Ambry Genetics
Classification: Uncertain significance for Hereditary cancer-predisposing syndrome. Last evaluated: 2024-10-06. Review status: criteria provided, single submitter. Criteria: Ambry Variant Classification Scheme 2023. Collection method: clinical testing. Allele origin: germline.
Comment: The p.V970L variant (also known as c.2908G>C), located in coding exon 14 of the BLM gene, results from a G to C substitution at nucleotide position 2908. The valine at codon 970 is replaced by leucine, an amino acid with highly similar properties. This amino acid position is conserved. In addition, this alteration is predicted to be tolerated by in silico analysis. Since supporting evidence is limited at this time, the clinical significance of this alteration remains unclear.

Labcorp Genetics (formerly Invitae), Labcorp
Classification: Uncertain significance for Bloom syndrome. Last evaluated: 2024-02-15. Review status: criteria provided, single submitter. Criteria: Invitae Variant Classification Sherloc (09022015). Collection method: clinical testing. Allele origin: germline.
Comment: This sequence change replaces valine, which is neutral and non-polar, with leucine, which is neutral and non-polar, at codon 970 of the BLM protein (p.Val970Leu). This variant is not present in population databases (gnomAD no frequency). This variant has not been reported in the literature in individuals affected with BLM-related conditions. ClinVar contains an entry for this variant (Variation ID: 1797533). Advanced modeling of protein sequence and biophysical properties (such as structural, functional, and spatial information, amino acid conservation, physicochemical variation, residue mobility, and thermodynamic stability) performed at Invitae indicates that this missense variant is not expected to disrupt BLM protein function with a negative predictive value of 80%. In summary, the available evidence is currently insufficient to determine the role of this variant in disease. Therefore, it has been classified as a Variant of Uncertain Significance.